The following is an entry in ClinVar:

ClinVar aggregate classification (germline): Likely benign (1 of 4 stars; one submission).

Submission:

CeGaT Center for Human Genetics Tuebingen
Classification: Likely benign. Last evaluated: 2026-05-01. Review status: criteria provided, single submitter. Criteria: CeGaT Center For Human Genetics Tuebingen Variant Classification Criteria Version 2. Collection method: clinical testing. Allele origin: germline. Affected: yes. Observed: 2 variant alleles.
Comment: KIF19: PM2:Supporting, BP4, BP7

NM_153209.4(KIF19):c.1611G>A (p.Arg537=)

Gene: KIF19 (kinesin family member 19; plus strand). Cytogenetic location: 17q25.1.
Variant type: single nucleotide variant.
Coding change: c.1611G>A on transcript NM_153209.4 (MANE Select); coding-DNA position 1611, G replaced by A.
Protein change: p.Arg537=; no amino-acid change (arginine 537 retained).
Molecular consequence: synonymous variant.
Genome position (GRCh38, 1-based): chr17:74,351,890, G>A. VCF-style: chr17-74351890-G-A. GRCh37 (hg19) VCF-style: chr17-72348029-G-A.
Identifiers: ClinVar variation 2648192 (VCV002648192.24), dbSNP rs2509843192, ClinGen allele CA501737336.